The following is an entry in ClinVar:

NM_006218.4(PIK3CA):c.1484A>G (p.His495Arg)

Gene: PIK3CA (phosphatidylinositol-4,5-bisphosphate 3-kinase catalytic subunit alpha; plus strand). Cytogenetic location: 3q26.32.
Variant type: single nucleotide variant.
Coding change: c.1484A>G on transcript NM_006218.4 (MANE Select); coding-DNA position 1484, A replaced by G.
Protein change: p.His495Arg; replaces histidine 495 with arginine.
Molecular consequence: missense variant.
Genome position (GRCh38, 1-based): chr3:179,210,510, A>G. VCF-style: chr3-179210510-A-G. GRCh37 (hg19) VCF-style: chr3-178928298-A-G.
Other names: short protein forms H495R.
Identifiers: ClinVar variation 3888946 (VCV003888946.1).

ClinVar aggregate classification (germline): Uncertain significance (1 of 4 stars; one submission).

Conditions:
Inborn genetic diseases. Identifiers: MedGen C0950123, MeSH D030342.

Submission:

Ambry Genetics
Classification: Uncertain significance for Inborn genetic diseases. Last evaluated: 2025-02-04. Review status: criteria provided, single submitter. Criteria: Ambry Variant Classification Scheme 2023. Collection method: clinical testing. Allele origin: germline.
Comment: The p.H495R variant (also known as c.1484A>G), located in coding exon 8 of the PIK3CA gene, results from an A to G substitution at nucleotide position 1484. The histidine at codon 495 is replaced by arginine, an amino acid with highly similar properties. This amino acid position is conserved. In addition, this alteration is predicted to be deleterious by in silico analysis. Based on the available evidence, the clinical significance of this variant remains unclear.